The following is an entry in ClinVar:

NM_004370.6(COL12A1):c.7453G>A (p.Asp2485Asn)

Gene: COL12A1 (collagen type XII alpha 1 chain; minus strand). Cytogenetic location: 6q13.
Variant type: single nucleotide variant.
Coding change: c.7453G>A on transcript NM_004370.6 (MANE Select); coding-DNA position 7453, G replaced by A.
Protein change: p.Asp2485Asn; replaces aspartic acid 2485 with asparagine.
Molecular consequence: missense variant.
Genome position (GRCh38, 1-based): chr6:75,117,448, C>T on the plus strand (G>A on the coding strand, the complement: COL12A1 is on the minus strand). VCF-style: chr6-75117448-C-T. GRCh37 (hg19) VCF-style: chr6-75827164-C-T.
Other names: c.7453G>A, p.Asp2485Asn (NM_001424113.1); c.7432G>A, p.Asp2478Asn (NM_001424114.1); c.7180G>A, p.Asp2394Asn (NM_001424115.1); c.3961G>A, p.Asp1321Asn (NM_001424116.1, NM_080645.3); short protein forms D1321N, D2394N, D2478N, D2485N.
Identifiers: ClinVar variation 4527302 (VCV004527302.1).

ClinVar aggregate classification (germline): Uncertain significance (1 of 4 stars; one submission).

gnomAD v4.1: 1 of 1,613,728 alleles (0.000062%); highest among the groups gnomAD compares: Non-Finnish European, 0.000085%; no homozygotes.

Submission:

GeneDx
Classification: Uncertain significance. Last evaluated: 2025-04-22. Review status: criteria provided, single submitter. Criteria: GeneDx Variant Classification Process June 2021. Collection method: clinical testing. Allele origin: germline. Affected: yes.
Comment: Not observed at significant frequency in large population cohorts (gnomAD); In silico analysis supports that this missense variant has a deleterious effect on protein structure/function; Has not been previously published as pathogenic or benign to our knowledge